The following is an entry in ClinVar:

ClinVar aggregate classification (germline): Uncertain significance (1 of 4 stars; one submission).

gnomAD v4.1: 1 of 1,614,056 alleles (0.000062%); highest among the groups gnomAD compares: Non-Finnish European, 0.000085%; no homozygotes.

Submission:

Labcorp Genetics (formerly Invitae), Labcorp
Classification: Uncertain significance. Last evaluated: 2024-02-12. Review status: criteria provided, single submitter. Criteria: Invitae Variant Classification Sherloc (09022015). Collection method: clinical testing. Allele origin: germline.
Comment: This sequence change replaces glycine, which is neutral and non-polar, with valine, which is neutral and non-polar, at codon 234 of the TBX6 protein (p.Gly234Val). This variant is present in population databases (rs776999311, gnomAD 0.0009%). This variant has not been reported in the literature in individuals affected with TBX6-related conditions. Advanced modeling of protein sequence and biophysical properties (such as structural, functional, and spatial information, amino acid conservation, physicochemical variation, residue mobility, and thermodynamic stability) performed at Invitae indicates that this missense variant is not expected to disrupt TBX6 protein function with a negative predictive value of 80%. In summary, the available evidence is currently insufficient to determine the role of this variant in disease. Therefore, it has been classified as a Variant of Uncertain Significance.

NM_004608.4(TBX6):c.701G>T (p.Gly234Val)

Gene: TBX6 (T-box transcription factor 6; minus strand). Cytogenetic location: 16p11.2.
Variant type: single nucleotide variant.
Coding change: c.701G>T on transcript NM_004608.4 (MANE Select); coding-DNA position 701, G replaced by T.
Protein change: p.Gly234Val; replaces glycine 234 with valine.
Molecular consequence: missense variant.
Genome position (GRCh38, 1-based): chr16:30,088,760, C>A on the plus strand (G>T on the coding strand, the complement: TBX6 is on the minus strand). VCF-style: chr16-30088760-C-A. GRCh37 (hg19) VCF-style: chr16-30100081-C-A.
Other names: short protein forms G234V.
Identifiers: ClinVar variation 3640249 (VCV003640249.2).